The following is an entry in ClinVar:

NM_001042492.3(NF1):c.2468G>T (p.Gly823Val)

Gene: NF1 (neurofibromin 1; plus strand). Cytogenetic location: 17q11.2.
Variant type: single nucleotide variant.
Coding change: c.2468G>T on transcript NM_001042492.3 (MANE Select); coding-DNA position 2468, G replaced by T.
Protein change: p.Gly823Val; replaces glycine 823 with valine.
Molecular consequence: missense variant.
Genome position (GRCh38, 1-based): chr17:31,229,083, G>T. VCF-style: chr17-31229083-G-T. GRCh37 (hg19) VCF-style: chr17-29556101-G-T.
Other names: c.2468G>T, p.Gly823Val (NM_000267.4); short protein forms G823V.
Identifiers: ClinVar variation 1321123 (VCV001321123.6), dbSNP rs1060500267, ClinGen allele CA398983985.

ClinVar aggregate classification (germline): Uncertain significance. Review status: criteria provided, multiple submitters, no conflicts (2 of 4 stars). 2 submissions from 2 submitters: Uncertain significance (2). Last evaluated 2022-01-15.

Conditions:
Neurofibromatosis, type 1 (NF1). Also called: NEUROFIBROMATOSIS, TYPE I, SOMATIC; Peripheral type neurofibromatosis; Neurofibromatosis, type I; VON RECKLINGHAUSEN DISEASE. Identifiers: Orphanet 636, MedGen C0027831, MONDO:0018975, OMIM 162200. Disease mechanism: loss of function.

Submissions (2):

Labcorp Genetics (formerly Invitae), Labcorp
Classification: Uncertain significance for Neurofibromatosis, type 1. Last evaluated: 2022-01-15. Review status: criteria provided, single submitter. Criteria: Invitae Variant Classification Sherloc (09022015). Collection method: clinical testing. Allele origin: germline.
Comment: This sequence change replaces glycine, which is neutral and non-polar, with valine, which is neutral and non-polar, at codon 823 of the NF1 protein (p.Gly823Val). This variant is not present in population databases (gnomAD no frequency). This variant has not been reported in the literature in individuals affected with NF1-related conditions. ClinVar contains an entry for this variant (Variation ID: 1321123). Advanced modeling of protein sequence and biophysical properties (such as structural, functional, and spatial information, amino acid conservation, physicochemical variation, residue mobility, and thermodynamic stability) performed at Invitae indicates that this missense variant is not expected to disrupt NF1 protein function. In summary, the available evidence is currently insufficient to determine the role of this variant in disease. Therefore, it has been classified as a Variant of Uncertain Significance.

GeneDx
Classification: Uncertain significance. Last evaluated: 2020-09-08. Review status: criteria provided, single submitter. Criteria: GeneDx Variant Classification Process June 2021. Collection method: clinical testing. Allele origin: germline. Affected: yes.
Comment: Not observed in large population cohorts (Lek 2016); In silico analysis supports that this missense variant does not alter protein structure/function; Has not been previously published as pathogenic or benign to our knowledge